The following is an entry in ClinVar:

NM_001009944.3(PKD1):c.3364G>A (p.Val1122Met)

Gene: PKD1 (polycystin 1, transient receptor potential channel interacting; minus strand). Cytogenetic location: 16p13.3.
Variant type: single nucleotide variant.
Coding change: c.3364G>A on transcript NM_001009944.3 (MANE Select); coding-DNA position 3364, G replaced by A.
Protein change: p.Val1122Met; replaces valine 1122 with methionine.
Molecular consequence: missense variant.
Genome position (GRCh38, 1-based): chr16:2,111,803, C>T on the plus strand (G>A on the coding strand, the complement: PKD1 is on the minus strand). VCF-style: chr16-2111803-C-T. GRCh37 (hg19) VCF-style: chr16-2161804-C-T.
Other names: c.3364G>A (NM_000296.3); c.3364G>A, p.Val1122Met (NM_000296.4); short protein forms V1122M.
Identifiers: ClinVar variation 3252232 (VCV003252232.3), dbSNP rs757714318.

ClinVar aggregate classification (germline): Uncertain significance. Review status: criteria provided, multiple submitters, no conflicts (2 of 4 stars). 3 submissions from 3 submitters: Uncertain significance (3). Last evaluated 2025-01-04.

Conditions:
Inborn genetic diseases. Identifiers: MedGen C0950123, MeSH D030342.
Polycystic kidney disease, adult type (PKD1). Also called: Polycystic Kidney Disease 1, Autosomal Dominant; Polycystic kidney disease 1; Polycystic kidney disease 1, severe; POLYCYSTIC KIDNEY DISEASE 1 WITH OR WITHOUT POLYCYSTIC LIVER DISEASE; POLYCYSTIC KIDNEY DISEASE, ADULT, TYPE I; Polycystic Kidney, Autosomal Dominant. Identifiers: MedGen C3149841, MONDO:0008263, OMIM 173900.

Allele frequency attached by ClinVar (database versions not stated): TOPMed 0.00002; gnomAD 0.00003.
gnomAD v4.1: 36 of 1,609,654 alleles (0.0022%); highest among the groups gnomAD compares: Admixed American, 0.005%; no homozygotes.

Submissions (3):

Ambry Genetics
Classification: Uncertain significance for Inborn genetic diseases. Last evaluated: 2025-01-04. Review status: criteria provided, single submitter. Criteria: Ambry Variant Classification Scheme 2023. Collection method: clinical testing. Allele origin: germline.

Fulgent Genetics
Classification: Uncertain significance for Polycystic kidney disease, adult type. Last evaluated: 2024-03-09. Review status: criteria provided, single submitter. Criteria: ACMG Guidelines, 2015. Collection method: clinical testing. Allele origin: germline.

GeneDx
Classification: Uncertain significance. Last evaluated: 2023-11-16. Review status: criteria provided, single submitter. Criteria: GeneDx Variant Classification Process June 2021. Collection method: clinical testing. Allele origin: germline. Affected: yes.
Comment: In silico analysis supports that this missense variant does not alter protein structure/function; Has not been previously published as pathogenic or benign to our knowledge